The following is an entry in ClinVar:

ClinVar aggregate classification (germline): Uncertain significance (1 of 4 stars; one submission).

Conditions:
TH-deficient dopa-responsive dystonia. Also called: Tyrosine Hydroxylase-Deficient Dopa-Responsive Dystonia; Segawa syndrome, autosomal recessive; DYT-TH. Identifiers: Orphanet 101150, MedGen C2673535, MONDO:0011551, OMIM 605407.

gnomAD v4.1: 1 of 1,612,578 alleles (0.000062%); highest among the groups gnomAD compares: Non-Finnish European, 0.000085%; no homozygotes.

Submission:

Labcorp Genetics (formerly Invitae), Labcorp
Classification: Uncertain significance for TH-deficient dopa-responsive dystonia. Last evaluated: 2024-05-24. Review status: criteria provided, single submitter. Criteria: Invitae Variant Classification Sherloc (09022015). Collection method: clinical testing. Allele origin: germline.
Comment: This sequence change replaces glutamine, which is neutral and polar, with proline, which is neutral and non-polar, at codon 25 of the TH protein (p.Gln25Pro). This variant is not present in population databases (gnomAD no frequency). This variant has not been reported in the literature in individuals affected with TH-related conditions. Advanced modeling of protein sequence and biophysical properties (such as structural, functional, and spatial information, amino acid conservation, physicochemical variation, residue mobility, and thermodynamic stability) has been performed at Invitae for this missense variant, however the output from this modeling did not meet the statistical confidence thresholds required to predict the impact of this variant on TH protein function. In summary, the available evidence is currently insufficient to determine the role of this variant in disease. Therefore, it has been classified as a Variant of Uncertain Significance.

NM_000360.4(TH):c.74A>C (p.Gln25Pro)

Gene: TH (tyrosine hydroxylase; minus strand). Cytogenetic location: 11p15.5.
Variant type: single nucleotide variant.
Coding change: c.74A>C on transcript NM_000360.4 (MANE Select); coding-DNA position 74, A replaced by C.
Protein change: p.Gln25Pro; replaces glutamine 25 with proline.
Molecular consequence: missense variant.
Genome position (GRCh38, 1-based): chr11:2,171,713, T>G on the plus strand (A>C on the coding strand, the complement: TH is on the minus strand). VCF-style: chr11-2171713-T-G. GRCh37 (hg19) VCF-style: chr11-2192943-T-G.
Other names: c.74A>C, p.Gln25Pro (NM_199292.3, NM_199293.3); short protein forms Q25P.
Identifiers: ClinVar variation 3716247 (VCV003716247.2).